The following is an entry in ClinVar:

NM_001355436.2(SPTB):c.567-3C>G

Gene: SPTB (spectrin beta, erythrocytic; minus strand). Cytogenetic location: 14q23.3.
Variant type: single nucleotide variant.
Coding change: c.567-3C>G on transcript NM_001355436.2 (MANE Select); 3 bases into the intron before coding-DNA position 567, C replaced by G.
Molecular consequence: intron variant.
Genome position (GRCh38, 1-based): chr14:64,801,837, G>C on the plus strand (C>G on the coding strand, the complement: SPTB is on the minus strand). VCF-style: chr14-64801837-G-C. GRCh37 (hg19) VCF-style: chr14-65268555-G-C.
Other names: c.567-3C>G (NM_001024858.4, NM_001355437.2).
Identifiers: ClinVar variation 4732770 (VCV004732770.1).

ClinVar aggregate classification (germline): Uncertain significance (1 of 4 stars; one submission).

Submission:

Labcorp Genetics (formerly Invitae), Labcorp
Classification: Uncertain significance. Last evaluated: 2025-12-08. Review status: criteria provided, single submitter. Criteria: Invitae Variant Classification Sherloc (09022015). Collection method: clinical testing. Allele origin: germline.
Comment: This sequence change falls in intron 4 of the SPTB gene. It does not directly change the encoded amino acid sequence of the SPTB protein. It affects a nucleotide within the consensus splice site. This variant is not present in population databases (gnomAD no frequency). This variant has not been reported in the literature in individuals affected with SPTB-related conditions. Variants that disrupt the consensus splice site are a relatively common cause of aberrant splicing (PMID: 17576681, 9536098). Algorithms developed to predict the effect of sequence changes on RNA splicing suggest that this variant may disrupt the consensus splice site. In summary, the available evidence is currently insufficient to determine the role of this variant in disease. Therefore, it has been classified as a Variant of Uncertain Significance.

Literature cited by the submitters: PubMed 17576681; PubMed 9536098.